The following is an entry in ClinVar:

ClinVar aggregate classification (germline): Uncertain significance (1 of 4 stars; one submission).

Conditions:
Ehlers-Danlos syndrome, arthrochalasia type. Also called: ARTHROCHALASIS MULTIPLEX CONGENITA; Ehlers-Danlos syndrome, arthrochalasia type, 1; EDS VII, MUTANT PROCOLLAGEN TYPE; EDS VIIA; Ehlers-Danlos syndrome, arthrochalasis type. Identifiers: Orphanet 1899, Orphanet 99875, Orphanet 99876, MedGen C4551623, MONDO:0007525, OMIM 130060.
Osteogenesis imperfecta with normal sclerae, dominant form (OI4). Also called: OSTEOGENESIS IMPERFECTA WITH NORMAL SCLERAE; OSTEOGENESIS IMPERFECTA, TYPE IV, WITH DENTINOGENESIS IMPERFECTA; Osteogenesis imperfecta type 4; Osteogenesis Imperfecta Type IV; Common Variable Osteogenesis Imperfecta with Normal Sclerae. Identifiers: Orphanet 216820, Orphanet 666, MedGen C0268363, MONDO:0008148, OMIM 166220.
Infantile cortical hyperostosis. Also called: Hyperostosis, Cortical, Congenital; Caffey Disease; P1PK BLOOD GROUP SYSTEM, P(2) PHENOTYPE. Identifiers: Orphanet 1310, MedGen C0020497, MONDO:0007244, OMIM 114000.
Combined osteogenesis imperfecta and Ehlers-Danlos syndrome 1. Also called: OIEDS SYNDROME 1. Identifiers: MedGen C5436842, MONDO:0030854, OMIM 619115.
Osteoporosis. Identifiers: MedGen C0029456, MONDO:0005298, OMIM 166710, HP:0000939.
Osteogenesis imperfecta type I (OI1). Also called: OI, TYPE I; OSTEOGENESIS IMPERFECTA TARDA; OSTEOGENESIS IMPERFECTA WITH BLUE SCLERAE; Lobstein's Disease; Osteogenesis imperfecta type 1; Lobstein disease. Identifiers: Orphanet 216796, Orphanet 666, MedGen C0023931, MONDO:0008146, OMIM 166200. Disease mechanism: loss of function.
Osteogenesis imperfecta, perinatal lethal (OI2). Also called: OSTEOGENESIS IMPERFECTA, TYPE II; OI, TYPE II; OSTEOGENESIS IMPERFECTA CONGENITA; VROLIK TYPE OF OSTEOGENESIS IMPERFECTA; Osteogenesis imperfecta, dominant perinatal lethal; Osteogenesis imperfecta type 2. Identifiers: Orphanet 216804, MedGen C0268358, MONDO:0008147, OMIM 166210.
Osteogenesis imperfecta type III (OI3). Also called: Osteogenesis imperfecta type 3; OI type 3; Osteogenesis imperfecta, progressively deforming with normal sclerae; OI type III; Progressively Deforming Osteogenesis Imperfecta. Identifiers: Orphanet 216812, Orphanet 666, MedGen C0268362, MONDO:0009804, OMIM 259420.

Submission:

Juno Genomics, Hangzhou Juno Genomics, Inc
Classification: Uncertain significance for Osteoporosis; Infantile cortical hyperostosis; Combined osteogenesis imperfecta and Ehlers-Danlos syndrome 1; Ehlers-Danlos syndrome, arthrochalasia type; Osteogenesis imperfecta type I; Osteogenesis imperfecta, perinatal lethal; Osteogenesis imperfecta type III; Osteogenesis imperfecta with normal sclerae, dominant form. Review status: criteria provided, single submitter. Criteria: ACMG Guidelines, 2015. Collection method: clinical testing. Allele origin: germline.
Comment: Absent from controls (or at extremely low frequency if recessive) in Genome Aggregation Database.;Missense variant in a gene that has a low rate of benign missense variation.

NM_000088.4(COL1A1):c.3678C>G (p.Asp1226Glu)

Gene: COL1A1 (collagen type I alpha 1 chain; minus strand). Cytogenetic location: 17q21.33.
Variant type: single nucleotide variant.
Coding change: c.3678C>G on transcript NM_000088.4 (MANE Select); coding-DNA position 3678, C replaced by G.
Protein change: p.Asp1226Glu; replaces aspartic acid 1226 with glutamic acid.
Molecular consequence: missense variant.
Genome position (GRCh38, 1-based): chr17:50,186,776, G>C on the plus strand (C>G on the coding strand, the complement: COL1A1 is on the minus strand). VCF-style: chr17-50186776-G-C. GRCh37 (hg19) VCF-style: chr17-48264137-G-C.
Other names: short protein forms D1226E.
Identifiers: ClinVar variation 5005772 (VCV005005772.2).
Genomic context (GRCh38, chr17:50,186,776, plus strand): 5'-CCGGATGTTCTCGATCTGCTGGCTCAGGCTCTTGAGGGTGGTGTCCACCTCGAGGTCACG[G>C]TCACGAACCACATTGGCATCATCAGCCCGGTAGTAGCGGCCACCATCGTGAGCCTTCTCT-3'
Protein context (NP_000079.2, residues 1216-1236): YRADDANVVR[Asp1226Glu]RDLEVDTTLK